The following is an entry in ClinVar:

NM_001377229.1(DISP1):c.2288G>A (p.Arg763His)

Gene: DISP1 (dispatched RND transporter family member 1; plus strand). Cytogenetic location: 1q41.
Variant type: single nucleotide variant.
Coding change: c.2288G>A on transcript NM_001377229.1 (MANE Select); coding-DNA position 2288, G replaced by A.
Protein change: p.Arg763His; replaces arginine 763 with histidine.
Molecular consequence: missense variant.
Genome position (GRCh38, 1-based): chr1:223,003,685, G>A. VCF-style: chr1-223003685-G-A. GRCh37 (hg19) VCF-style: chr1-223177027-G-A.
Other names: c.2288G>A (NM_032890.3); c.1559G>A, p.Arg520His (NM_001350630.2); c.2288G>A, p.Arg763His (NM_001369594.1, NM_001377228.1, NM_032890.5); short protein forms R520H, R763H.
Identifiers: ClinVar variation 2186640 (VCV002186640.5), dbSNP rs757727140, ClinGen allele CA1409218.

ClinVar aggregate classification (germline): Uncertain significance. Review status: criteria provided, multiple submitters, no conflicts (2 of 4 stars). 2 submissions from 2 submitters: Uncertain significance (2). Last evaluated 2025-08-02.

Allele frequency attached by ClinVar (database versions not stated): ExAC 0.00002; gnomAD 0.00005; TOPMed 0.00011.
gnomAD v4.1: 24 of 1,613,954 alleles (0.0015%); highest among the groups gnomAD compares: Admixed American, 0.015%; no homozygotes.

Submissions (2):

Ambry Genetics
Classification: Uncertain significance. Last evaluated: 2025-08-02. Review status: criteria provided, single submitter. Criteria: Ambry Variant Classification Scheme 2023. Collection method: clinical testing. Allele origin: germline.

Labcorp Genetics (formerly Invitae), Labcorp
Classification: Uncertain significance. Last evaluated: 2022-06-06. Review status: criteria provided, single submitter. Criteria: Invitae Variant Classification Sherloc (09022015). Collection method: clinical testing. Allele origin: germline.
Comment: Algorithms developed to predict the effect of missense changes on protein structure and function are either unavailable or do not agree on the potential impact of this missense change (SIFT: "Tolerated"; PolyPhen-2: "Probably Damaging"; Align-GVGD: "Class C0"). This variant has not been reported in the literature in individuals affected with DISP1-related conditions. This variant is present in population databases (rs757727140, gnomAD 0.01%). This sequence change replaces arginine, which is basic and polar, with histidine, which is basic and polar, at codon 763 of the DISP1 protein (p.Arg763His). In summary, the available evidence is currently insufficient to determine the role of this variant in disease. Therefore, it has been classified as a Variant of Uncertain Significance.